The following is an entry in ClinVar:

ClinVar aggregate classification (germline): Uncertain significance. Review status: criteria provided, single submitter (1 of 4 stars). 2 submissions from 2 submitters: Uncertain significance (1). 1 of the submissions does not count toward it. Last evaluated 2024-09-09.

Conditions:
Proximal myopathy with extrapyramidal signs. Also called: Myopathy with extrapyramidal signs. Identifiers: Orphanet 401768, MedGen C3810285, MONDO:0014300, OMIM 615673.

Submissions (2):

Blueprint Genetics
Classification: Uncertain significance. Last evaluated: 2024-09-09. Review status: criteria provided, single submitter. Criteria: ACMG Guidelines, 2015. Collection method: clinical testing. Allele origin: germline.

Medical Genetics Laboratory, AJA University of Medical Sciences
Classification: Likely pathogenic for Proximal myopathy with extrapyramidal signs. Last evaluated: 2024-02-27. Review status: no assertion criteria provided. Collection method: clinical testing. Allele origin: germline. Inheritance: Autosomal recessive inheritance. Affected: yes. Observed: 1 hemizygote. Not counted in ClinVar's aggregate classification.
Comment: MICU1:​c.736-1G>A variant causes a splice acceptor, intron change involving the alteration of a conserved nucleotide (PVS1). The variant was absent in control chromosomes in GnomAD project (PM2). In-silico tool predicts a pathogenic outcome for this variant.

NM_001195518.2(MICU1):c.736-1G>A

Gene: MICU1 (mitochondrial calcium uptake 1; minus strand). Cytogenetic location: 10q22.1.
Variant type: single nucleotide variant.
Coding change: c.736-1G>A on transcript NM_001195518.2 (MANE Select); the canonical splice acceptor site of the intron before coding-DNA position 736, G replaced by A.
Molecular consequence: splice acceptor variant.
Genome position (GRCh38, 1-based): chr10:72,475,298, C>T on the plus strand (G>A on the coding strand, the complement: MICU1 is on the minus strand). VCF-style: chr10-72475298-C-T. GRCh37 (hg19) VCF-style: chr10-74235056-C-T.
Other names: c.742-1G>A (NM_006077.4); c.754-1G>A (NM_001363513.2); c.142-1G>A (NM_001195519.2).
Identifiers: ClinVar variation 3774390 (VCV003774390.3).